The following is an entry in ClinVar:

NM_030662.4(MAP2K2):c.118A>C (p.Lys40Gln)

Gene: MAP2K2 (mitogen-activated protein kinase kinase 2; minus strand). Cytogenetic location: 19p13.3.
Variant type: single nucleotide variant.
Coding change: c.118A>C on transcript NM_030662.4 (MANE Select); coding-DNA position 118, A replaced by C.
Protein change: p.Lys40Gln; replaces lysine 40 with glutamine.
Molecular consequence: missense variant.
Genome position (GRCh38, 1-based): chr19:4,117,604, T>G on the plus strand (A>C on the coding strand, the complement: MAP2K2 is on the minus strand). VCF-style: chr19-4117604-T-G. GRCh37 (hg19) VCF-style: chr19-4117602-T-G.
Other names: short protein forms K40Q.
Identifiers: ClinVar variation 1744400 (VCV001744400.8), dbSNP rs1321520649, ClinGen allele CA403392927.

ClinVar aggregate classification (germline): Uncertain significance. Review status: criteria provided, multiple submitters, no conflicts (2 of 4 stars). 2 submissions from 2 submitters: Uncertain significance (2). Last evaluated 2025-10-01.

Conditions:
Cardiovascular phenotype. Identifiers: MedGen CN230736.

Allele frequency attached by ClinVar (database versions not stated): gnomAD exomes below 0.00001; TOPMed below 0.00001.

Submissions (2):

CeGaT Center for Human Genetics Tuebingen
Classification: Uncertain significance. Last evaluated: 2025-10-01. Review status: criteria provided, single submitter. Criteria: CeGaT Center For Human Genetics Tuebingen Variant Classification Criteria Version 2. Collection method: clinical testing. Allele origin: germline. Affected: yes. Observed: 1 variant allele.
Comment: MAP2K2: PM2:Supporting, PP3

Ambry Genetics
Classification: Uncertain significance for Cardiovascular phenotype. Last evaluated: 2022-03-04. Review status: criteria provided, single submitter. Criteria: Ambry Variant Classification Scheme 2023. Collection method: clinical testing. Allele origin: germline.
Comment: The p.K40Q variant (also known as c.118A>C), located in coding exon 2 of the MAP2K2 gene, results from an A to C substitution at nucleotide position 118. The lysine at codon 40 is replaced by glutamine, an amino acid with similar properties. This amino acid position is conserved. In addition, the in silico prediction for this alteration is inconclusive. Since supporting evidence is limited at this time, the clinical significance of this alteration remains unclear.